The following is an entry in ClinVar:

ClinVar aggregate classification (germline): Uncertain significance (1 of 4 stars; one submission).

Conditions:
Cardiovascular phenotype. Identifiers: MedGen CN230736.

Allele frequency attached by ClinVar (database versions not stated): gnomAD exomes below 0.00001; TOPMed below 0.00001; ExAC 0.00001; gnomAD 0.00001.
gnomAD v4.1: 3 of 1,613,902 alleles (0.00019%); highest among the groups gnomAD compares: African/African-American, 0.0027%; no homozygotes.

Submission:

Ambry Genetics
Classification: Uncertain significance for Cardiovascular phenotype. Last evaluated: 2022-01-05. Review status: criteria provided, single submitter. Criteria: Ambry Variant Classification Scheme 2023. Collection method: clinical testing. Allele origin: germline.
Comment: The p.S1542G variant (also known as c.4624A>G), located in coding exon 8 of the ALMS1 gene, results from an A to G substitution at nucleotide position 4624. The serine at codon 1542 is replaced by glycine, an amino acid with similar properties. This amino acid position is not well conserved in available vertebrate species. In addition, this alteration is predicted to be tolerated by in silico analysis. Since supporting evidence is limited at this time, the clinical significance of this alteration remains unclear.

NM_001378454.1(ALMS1):c.4621A>G (p.Ser1541Gly)

Gene: ALMS1 (ALMS1 centrosome and basal body associated protein; plus strand). Cytogenetic location: 2p13.1.
Variant type: single nucleotide variant.
Coding change: c.4621A>G on transcript NM_001378454.1 (MANE Select); coding-DNA position 4621, A replaced by G.
Protein change: p.Ser1541Gly; replaces serine 1541 with glycine.
Molecular consequence: missense variant.
Genome position (GRCh38, 1-based): chr2:73,451,148, A>G. VCF-style: chr2-73451148-A-G. GRCh37 (hg19) VCF-style: chr2-73678275-A-G.
Other names: c.4624A>G, p.Ser1542Gly (NM_015120.4); short protein forms S1541G, S1542G.
Identifiers: ClinVar variation 1741974 (VCV001741974.2), dbSNP rs779018887, ClinGen allele CA1713733.